The following is an entry in ClinVar:

ClinVar aggregate classification (germline): Uncertain significance. Review status: criteria provided, multiple submitters, no conflicts (2 of 4 stars). 2 submissions from 2 submitters: Uncertain significance (2). Last evaluated 2025-05-20.

Conditions:
Melanoma, cutaneous malignant, susceptibility to, 5. Also called: Cutaneous malignant melanoma 5. Identifiers: Orphanet 618, MedGen C2751295, MONDO:0013133, OMIM 613099.

Allele frequency attached by ClinVar (database versions not stated): gnomAD exomes below 0.00001; TOPMed below 0.00001; gnomAD 0.00001.

Submissions (2):

Ambry Genetics
Classification: Uncertain significance. Last evaluated: 2025-05-20. Review status: criteria provided, single submitter. Criteria: Ambry Variant Classification Scheme 2023. Collection method: clinical testing. Allele origin: germline.
Comment: The p.L243V variant (also known as c.727C>G), located in coding exon 1 of the MC1R gene, results from a C to G substitution at nucleotide position 727. The leucine at codon 243 is replaced by valine, an amino acid with highly similar properties. This amino acid position is conserved. In addition, this alteration is predicted to be tolerated by in silico analysis. Based on the available evidence, the clinical significance of this variant remains unclear.

Labcorp Genetics (formerly Invitae), Labcorp
Classification: Uncertain significance for Melanoma, cutaneous malignant, susceptibility to, 5. Last evaluated: 2020-01-29. Review status: criteria provided, single submitter. Criteria: Invitae Variant Classification Sherloc (09022015). Collection method: clinical testing. Allele origin: germline.
Comment: This sequence change replaces leucine with valine at codon 243 of the MC1R protein (p.Leu243Val). The leucine residue is highly conserved and there is a small physicochemical difference between leucine and valine. In summary, the available evidence is currently insufficient to determine the role of this variant in disease. Therefore, it has been classified as a Variant of Uncertain Significance. Algorithms developed to predict the effect of missense changes on protein structure and function (SIFT, PolyPhen-2, Align-GVGD) all suggest that this variant is likely to be disruptive, but these predictions have not been confirmed by published functional studies and their clinical significance is uncertain. This variant has not been reported in the literature in individuals with MC1R-related conditions. This variant is not present in population databases (ExAC no frequency).

NM_002386.4(MC1R):c.727C>G (p.Leu243Val)

Gene: MC1R (melanocortin 1 receptor; plus strand). Cytogenetic location: 16q24.3.
Variant type: single nucleotide variant.
Coding change: c.727C>G on transcript NM_002386.4 (MANE Select); coding-DNA position 727, C replaced by G.
Protein change: p.Leu243Val; replaces leucine 243 with valine.
Molecular consequence: missense variant.
Genome position (GRCh38, 1-based): chr16:89,919,985, C>G. VCF-style: chr16-89919985-C-G. GRCh37 (hg19) VCF-style: chr16-89986393-C-G.
Other names: c.727C>G (NM_002386.3); short protein forms L243V.
Identifiers: ClinVar variation 1018793 (VCV001018793.9), dbSNP rs1414374650, ClinGen allele CA397462995.